The following is an entry in ClinVar:

NM_001018115.3(FANCD2):c.2023G>C (p.Asp675His)

Genes: FANCD2 (FA complementation group D2; plus strand), LOC107303338 (3p25 FANCD2 Alu-mediated recombination region; plus strand). Cytogenetic location: 3p25.3.
Variant type: single nucleotide variant.
Coding change: c.2023G>C on transcript NM_001018115.3 (MANE Select); coding-DNA position 2023, G replaced by C.
Protein change: p.Asp675His; replaces aspartic acid 675 with histidine.
Molecular consequence: missense variant.
Genome position (GRCh38, 1-based): chr3:10,064,730, G>C. VCF-style: chr3-10064730-G-C. GRCh37 (hg19) VCF-style: chr3-10106414-G-C.
Other names: c.2023G>C, p.Asp675His (NM_001319984.2, NM_001374254.1, NM_033084.6); c.1912G>C, p.Asp638His (NM_001374253.1); short protein forms D675H, D638H.
Identifiers: ClinVar variation 1938686 (VCV001938686.5), dbSNP rs149564544, ClinGen allele CA351732791.

ClinVar aggregate classification (germline): Uncertain significance (1 of 4 stars; one submission).

Conditions:
Fanconi anemia (FA). Also called: Fanconi's anemia. Identifiers: Orphanet 84, MedGen C0015625, MeSH D005199, MONDO:0019391.

gnomAD v4.1: 1 of 1,614,140 alleles (0.000062%); highest among the groups gnomAD compares: African/African-American, 0.0013%; no homozygotes.

Submission:

Labcorp Genetics (formerly Invitae), Labcorp
Classification: Uncertain significance for Fanconi anemia. Last evaluated: 2022-04-21. Review status: criteria provided, single submitter. Criteria: Invitae Variant Classification Sherloc (09022015). Collection method: clinical testing. Allele origin: germline.
Comment: In summary, the available evidence is currently insufficient to determine the role of this variant in disease. Therefore, it has been classified as a Variant of Uncertain Significance. Algorithms developed to predict the effect of missense changes on protein structure and function are either unavailable or do not agree on the potential impact of this missense change (SIFT: "Tolerated"; PolyPhen-2: "Possibly Damaging"; Align-GVGD: "Class C0"). This variant has not been reported in the literature in individuals affected with FANCD2-related conditions. This variant is not present in population databases (gnomAD no frequency). This sequence change replaces aspartic acid, which is acidic and polar, with histidine, which is basic and polar, at codon 675 of the FANCD2 protein (p.Asp675His).